The following is an entry in ClinVar:

NM_000492.4(CFTR):c.1622T>C (p.Leu541Pro)

Genes: CFTR (CF transmembrane conductance regulator; plus strand), LOC111674475 (CFTR intron 11 enhancer; plus strand). Cytogenetic location: 7q31.2.
Variant type: single nucleotide variant.
Coding change: c.1622T>C on transcript NM_000492.4 (MANE Select); coding-DNA position 1622, T replaced by C.
Protein change: p.Leu541Pro; replaces leucine 541 with proline.
Molecular consequence: missense variant.
Genome position (GRCh38, 1-based): chr7:117,587,776, T>C. VCF-style: chr7-117587776-T-C. GRCh37 (hg19) VCF-style: chr7-117227830-T-C.
Other names: short protein forms L541P.
Identifiers: ClinVar variation 2036998 (VCV002036998.6), dbSNP rs1791965061, ClinGen allele CA368975969.

ClinVar aggregate classification (germline): Conflicting classifications of pathogenicity. Review status: criteria provided, conflicting classifications (1 of 4 stars). 2 submissions from 2 submitters: Likely pathogenic (1); Uncertain significance (1). Last evaluated 2025-07-24.

Conditions:
Cystic fibrosis (CF). Also called: MUCOVISCIDOSIS. Identifiers: Orphanet 586, MedGen C0010674, MONDO:0009061, OMIM 219700. Disease mechanism: loss of function.

Allele frequency attached by ClinVar (database versions not stated): gnomAD exomes below 0.00001; TOPMed below 0.00001.
gnomAD v4.1: 4 of 1,612,322 alleles (0.00025%); highest among the groups gnomAD compares: Non-Finnish European, 0.00025%; no homozygotes.

Submissions (2):

Women's Health and Genetics/Laboratory Corporation of America, LabCorp
Classification: Uncertain significance. Last evaluated: 2025-07-24. Review status: criteria provided, single submitter. Criteria: LabCorp Variant Classification Summary - May 2015. Collection method: clinical testing. Allele origin: germline.
Comment: Variant summary: CFTR c.1622T>C (p.Leu541Pro) results in a non-conservative amino acid change located in the ABC transporter-like, ATP-binding domain (IPR003439) of the encoded protein sequence. Algorithms developed to predict the effect of missense changes on protein structure and function all suggest that this variant is likely to be disruptive. The variant was absent in 250908 control chromosomes. c.1622T>C has been reported in the literature in the homozygous and compound heterozygous states in individuals affected with congenital bilateral absence of the vas deferens and azoospermia (e.g. Poulou_2012, Lissens_1999). These data indicate that the variant may be associated with disease. To our knowledge, no experimental evidence demonstrating an impact on protein function has been reported. The following publications have been ascertained in the context of this evaluation (PMID: 10050655, 22326559). ClinVar contains an entry for this variant (Variation ID: 2036998). Based on the evidence outlined above, the variant was classified as VUS-possibly pathogenic.

Labcorp Genetics (formerly Invitae), Labcorp
Classification: Likely pathogenic for Cystic fibrosis. Last evaluated: 2023-07-10. Review status: criteria provided, single submitter. Criteria: Invitae Variant Classification Sherloc (09022015). Collection method: clinical testing. Allele origin: germline.
Comment: This sequence change replaces leucine, which is neutral and non-polar, with proline, which is neutral and non-polar, at codon 541 of the CFTR protein (p.Leu541Pro). This variant is not present in population databases (gnomAD no frequency). This missense change has been observed in individual(s) with CFTR-related conditions (PMID: 10050655, 22326559). In at least one individual the data is consistent with being in trans (on the opposite chromosome) from a pathogenic variant. ClinVar contains an entry for this variant (Variation ID: 2036998). Advanced modeling of protein sequence and biophysical properties (such as structural, functional, and spatial information, amino acid conservation, physicochemical variation, residue mobility, and thermodynamic stability) performed at Invitae indicates that this missense variant is expected to disrupt CFTR protein function. In summary, the currently available evidence indicates that the variant is pathogenic, but additional data are needed to prove that conclusively. Therefore, this variant has been classified as Likely Pathogenic.

Literature cited by the submitters: PubMed 22326559 (cited by Women's Health and Genetics/Laboratory Corporation of America, LabCorp and Labcorp Genetics (formerly Invitae), Labcorp); PubMed 10050655 (cited by Women's Health and Genetics/Laboratory Corporation of America, LabCorp and Labcorp Genetics (formerly Invitae), Labcorp).